The following is an entry in ClinVar:

NM_001368894.2(PAX6):c.817dup (p.Ser273fs)

Gene: PAX6 (paired box 6; minus strand). Cytogenetic location: 11p13.
Variant type: Duplication.
Coding change: c.817dup on transcript NM_001368894.2 (MANE Select); coding-DNA position 817, one base duplicated (T; older notation c.817dupT).
Protein change: p.Ser273fs; shifts the reading frame from serine 273.
Molecular consequence: frameshift variant. On other transcripts: non-coding transcript variant (2).
Genome position (GRCh38, 1-based): chr11:31,793,793, A duplicated on the plus strand (T on the coding strand, the reverse complement: PAX6 is on the minus strand); the first of 4 consecutive A bases (chr11:31,793,793-31,793,796); duplicating any one gives the same sequence. VCF-style (leftmost placement, unchanged base first): chr11-31793792-G-GA. GRCh37 (hg19) VCF-style: chr11-31815340-G-GA.
Other names: c.775dupT (NM_000280.4); c.775dup, p.Ser259fs (NM_000280.6, NM_001127612.3, NM_001258464.2 and 10 more transcripts); c.817dup, p.Ser273fs (NM_001258462.3, NM_001258463.2, NM_001310158.2 and 6 more transcripts); c.367dup, p.Ser123fs (NM_001310160.2, NM_001310161.3, NM_001368899.2 and 11 more transcripts); c.1018dup, p.Ser340fs (NM_001368910.2); c.820dup, p.Ser274fs (NM_001368911.2); c.892dup, p.Ser298fs (NM_001368918.2, NM_001368919.2); c.850dup, p.Ser284fs (NM_001368920.2); and 3 more; short protein forms S284fs, S298fs, S340fs, S192fs, S206fs, S274fs, S123fs, S259fs.
Identifiers: ClinVar variation 665256 (VCV000665256.11), dbSNP rs1592416305, ClinGen allele CA915948045.

ClinVar aggregate classification (germline): Pathogenic. Review status: criteria provided, multiple submitters, no conflicts (2 of 4 stars). 3 submissions from 3 submitters: Pathogenic (2). 1 of the submissions does not count toward it. Last evaluated 2026-01-30.

Conditions:
Aniridia 1 (AN1). Identifiers: Orphanet 250923, MedGen C0344542, MONDO:0024507, OMIM 106210.
Sporadic aniridia.
Irido-corneo-trabecular dysgenesis (ASGD5). Also called: ANTERIOR SEGMENT DYSGENESIS 5. Identifiers: Orphanet 708, MedGen C0344559, MONDO:0011414, OMIM 604229, HP:0000659.

Submissions (3):

Genetics Laboratory, Great Ormond Street Hospital NHS Foundation Trust, North Thames Genomic Laboratory Hub
Classification: Pathogenic for Sporadic aniridia. Last evaluated: 2026-01-30. Review status: criteria provided, single submitter. Criteria: ACGS Best Practice Guidelines for Variant Classification in Rare Disease 2024 v1.2. Collection method: clinical testing. Allele origin: germline. Affected: yes.
Comment: PS4_moderate, PM2_moderate, PVS1_very-strong, PP1_strong

Labcorp Genetics (formerly Invitae), Labcorp
Classification: Pathogenic for Aniridia 1; Irido-corneo-trabecular dysgenesis. Last evaluated: 2019-01-01. Review status: criteria provided, single submitter. Criteria: Invitae Variant Classification Sherloc (09022015). Collection method: clinical testing. Allele origin: germline.
Comment: For these reasons, this variant has been classified as Pathogenic. Loss-of-function variants in PAX6 are known to be pathogenic (PMID: 12634864). This variant has been observed to segregate with aniridia in a family (PMID: 19218613). This variant is not present in population databases (ExAC no frequency). This sequence change creates a premature translational stop signal (p.Ser259Phefs*2) in the PAX6 gene. It is expected to result in an absent or disrupted protein product.

Wessex Regional Genetics Laboratory, Salisbury District Hospital
Classification: Pathogenic for Aniridia 1. Last evaluated: 2019-08-15. Review status: no assertion criteria provided. Criteria: ACMG Guidelines, 2015. Collection method: clinical testing. Allele origin: inherited. Inheritance: Autosomal dominant inheritance. Affected: yes. Not counted in ClinVar's aggregate classification.

Literature cited by the submitters: PubMed 12634864 (cited by Labcorp Genetics (formerly Invitae), Labcorp); PubMed 19218613 (cited by Labcorp Genetics (formerly Invitae), Labcorp).